The following is an entry in ClinVar:

ClinVar aggregate classification (germline): Likely benign. Review status: criteria provided, multiple submitters, no conflicts (2 of 4 stars). 2 submissions from 2 submitters: Likely benign (2). Last evaluated 2025-11-03.

Allele frequency attached by ClinVar (database versions not stated): gnomAD 0.00001.
gnomAD v4.1: 5 of 1,612,488 alleles (0.00031%); highest among the groups gnomAD compares: East Asian, 0.011%; no homozygotes.

Submissions (2):

Labcorp Genetics (formerly Invitae), Labcorp
Classification: Likely benign. Last evaluated: 2025-11-03. Review status: criteria provided, single submitter. Criteria: Invitae Variant Classification Sherloc (09022015). Collection method: clinical testing. Allele origin: germline.

Mayo Clinic Laboratories, Mayo Clinic
Classification: Likely benign. Last evaluated: 2025-05-21. Review status: criteria provided, single submitter. Criteria: ACMG Guidelines, 2015. Collection method: clinical testing. Allele origin: germline. Observed: 1 variant allele.
Comment: BP4, BP7, PM2_supporting

NM_017491.5(WDR1):c.516A>C (p.Ala172=)

Gene: WDR1 (WD repeat domain 1; minus strand). Cytogenetic location: 4p16.1.
Variant type: single nucleotide variant.
Coding change: c.516A>C on transcript NM_017491.5 (MANE Select); coding-DNA position 516, A replaced by C.
Protein change: p.Ala172=; no amino-acid change (alanine 172 retained).
Molecular consequence: synonymous variant. On other transcripts: intron variant (1).
Genome position (GRCh38, 1-based): chr4:10,097,753, T>G on the plus strand (A>C on the coding strand, the complement: WDR1 is on the minus strand). VCF-style: chr4-10097753-T-G. GRCh37 (hg19) VCF-style: chr4-10099377-T-G.
Other names: p.Ala172=; c.139-9012A>C (NM_005112.5).
Identifiers: ClinVar variation 1966813 (VCV001966813.6), dbSNP rs1197623992, ClinGen allele CA438533988.
Genomic context (GRCh38, chr4:10,097,753, plus strand): 5'-AAAAGTAAGTTCACTTACGCCAATTGTGAACTTGAACTTGAATGGGGGTCCCTCAAAGAA[T>G]GCCGCGCAGTTATCATCGCTTCCCGTGGCCAGCCGGTATGGCCGGCTCTGCTTGATGTCC-3'
Protein context (NP_059830.1, residues 162-182): LATGSDDNCA[Ala172=]FFEGPPFKFK